The following is an entry in ClinVar:

NM_005476.7(GNE):c.1787T>A (p.Leu596Ter)

Gene: GNE (glucosamine (UDP-N-acetyl)-2-epimerase/N-acetylmannosamine kinase; minus strand). Cytogenetic location: 9p13.3.
Variant type: single nucleotide variant.
Coding change: c.1787T>A on transcript NM_005476.7 (MANE Select); coding-DNA position 1787, T replaced by A.
Protein change: p.Leu596Ter; replaces leucine 596 with a stop codon.
Molecular consequence: nonsense.
Genome position (GRCh38, 1-based): chr9:36,219,867, A>T on the plus strand (T>A on the coding strand, the complement: GNE is on the minus strand). VCF-style: chr9-36219867-A-T. GRCh37 (hg19) VCF-style: chr9-36219864-A-T.
Other names: c.1880T>A, p.Leu627Ter (NM_001128227.3); c.1565T>A, p.Leu522Ter (NM_001190383.3); c.1457T>A, p.Leu486Ter (NM_001190384.3); c.1610T>A, p.Leu537Ter (NM_001190388.2, NM_001374798.1); c.1634T>A, p.Leu545Ter (NM_001374797.1); short protein forms L486*, L522*, L537*, L545*, L596*, L627*.
Identifiers: ClinVar variation 1726703 (VCV001726703.2), dbSNP rs112061124, ClinGen allele CA373425529.

ClinVar aggregate classification (germline): Likely pathogenic (1 of 4 stars; one submission).

Conditions:
GNE myopathy (NM). Also called: MYOPATHY, DISTAL, WITH OR WITHOUT RIMMED VACUOLES; IBM 2; Inclusion body myopathy autosomal recessive; Inclusion body myopathy quadriceps sparing; NONAKA DISTAL MYOPATHY; INCLUSION BODY MYOPATHY, HEREDITARY, AUTOSOMAL RECESSIVE. Identifiers: Orphanet 602, MedGen C1853926, MONDO:0011603, OMIM 605820.

Submission:

Myriad Genetics, Inc.
Classification: Likely pathogenic for GNE myopathy. Last evaluated: 2021-12-30. Review status: criteria provided, single submitter. Criteria: Myriad Women's Health Autosomal Recessive and X-Linked Classification Criteria (2021). Collection method: clinical testing. Allele origin: unknown.
Comment: NM_001128227.2(GNE):c.1880T>A(L627*) is expected to be pathogenic in the context of GNE myopathy. This variant is predicted to lead to an abnormal or absent protein product due to the creation of a premature termination codon in GNE, a gene where loss-of-function variants are known to be pathogenic. Please note: this variant was assessed in the context of healthy population screening.